The following is an entry in ClinVar:

ClinVar aggregate classification (germline): Uncertain significance. Review status: criteria provided, multiple submitters, no conflicts (2 of 4 stars). 2 submissions from 2 submitters: Uncertain significance (2). Last evaluated 2022-11-01.

Allele frequency attached by ClinVar (database versions not stated): gnomAD exomes below 0.00001; gnomAD 0.00001; TOPMed 0.00001.
gnomAD v4.1: 2 of 1,551,274 alleles (0.00013%); highest among the groups gnomAD compares: African/African-American, 0.0014%; no homozygotes.

Submissions (2):

Labcorp Genetics (formerly Invitae), Labcorp
Classification: Uncertain significance. Last evaluated: 2022-11-01. Review status: criteria provided, single submitter. Criteria: Invitae Variant Classification Sherloc (09022015). Collection method: clinical testing. Allele origin: germline.
Comment: This sequence change replaces alanine, which is neutral and non-polar, with threonine, which is neutral and polar, at codon 1792 of the EYS protein (p.Ala1792Thr). This variant is present in population databases (no rsID available, gnomAD 0.01%). This variant has not been reported in the literature in individuals affected with EYS-related conditions. ClinVar contains an entry for this variant (Variation ID: 1383069). Algorithms developed to predict the effect of missense changes on protein structure and function (SIFT, PolyPhen-2, Align-GVGD) all suggest that this variant is likely to be tolerated. In summary, the available evidence is currently insufficient to determine the role of this variant in disease. Therefore, it has been classified as a Variant of Uncertain Significance.

Blueprint Genetics
Classification: Uncertain significance. Last evaluated: 2022-07-15. Review status: criteria provided, single submitter. Criteria: ACMG Guidelines, 2015. Collection method: clinical testing. Allele origin: germline.

NM_001142800.2(EYS):c.5374G>A (p.Ala1792Thr)

Gene: EYS (EGF-like photoreceptor maintenance factor; minus strand). Cytogenetic location: 6q12.
Variant type: single nucleotide variant.
Coding change: c.5374G>A on transcript NM_001142800.2 (MANE Select); coding-DNA position 5374, G replaced by A.
Protein change: p.Ala1792Thr; replaces alanine 1792 with threonine.
Molecular consequence: missense variant.
Genome position (GRCh38, 1-based): chr6:64,590,493, C>T on the plus strand (G>A on the coding strand, the complement: EYS is on the minus strand). VCF-style: chr6-64590493-C-T. GRCh37 (hg19) VCF-style: chr6-65300386-C-T.
Other names: c.5374G>A, p.Ala1792Thr (NM_001292009.2); short protein forms A1792T.
Identifiers: ClinVar variation 1383069 (VCV001383069.9), dbSNP rs901144230, ClinGen allele CA140340880.
Genomic context (GRCh38, chr6:64,590,493, plus strand): 5'-CAGACATGGAGGAAGACGTCTGTATTGAAAGTGCTGGAGTTGCTGAAACTGTATAAAATG[C>T]AACATTGGTGGTGACTTCTGAAAAATCAGGCACTGAGCCTGTCAATGGTGGCAGATTATT-3'
Protein context (NP_001136272.1, residues 1782-1802): PDFSEVTTNV[Ala1792Thr]FYTVSATPAL